The following is an entry in ClinVar:

ClinVar aggregate classification (germline): Conflicting classifications of pathogenicity. Review status: criteria provided, conflicting classifications (1 of 4 stars). 7 submissions from 7 submitters: Uncertain significance (3); Likely benign (1). 3 of the submissions do not count toward it. Last evaluated 2025-11-17.

Conditions:
Succinate-semialdehyde dehydrogenase deficiency (SSADHD). Also called: 4-HYDROXYBUTYRIC ACIDURIA; GABA METABOLIC DEFECT; Succinic Semialdehyde Dehydrogenase Deficiency; SSADH DEFICIENCY. Identifiers: Orphanet 22, MedGen C0268631, MONDO:0010083, OMIM 271980.
Intellectual disability. Also called: Intellectual functioning disability; intellectual disabilities; Intellectual developmental disorder. Identifiers: MedGen C3714756, MeSH D008607, MONDO:0001071, HP:0001249.

Allele frequency attached by ClinVar (database versions not stated): TOPMed 0.00006; ESP Exome Variant Server 0.00008; gnomAD 0.00009 and 0.00010; ExAC 0.00012; gnomAD exomes 0.00012.

Submissions (7):

Labcorp Genetics (formerly Invitae), Labcorp
Classification: Likely benign for Succinate-semialdehyde dehydrogenase deficiency. Last evaluated: 2025-11-17. Review status: criteria provided, single submitter. Criteria: Invitae Variant Classification Sherloc (09022015). Collection method: clinical testing. Allele origin: germline.

Blueprint Genetics
Classification: Uncertain significance. Last evaluated: 2023-05-19. Review status: criteria provided, single submitter. Criteria: ACMG Guidelines, 2015. Collection method: clinical testing. Allele origin: germline.

GeneDx
Classification: Uncertain significance. Last evaluated: 2023-01-13. Review status: criteria provided, single submitter. Criteria: GeneDx Variant Classification Process June 2021. Collection method: clinical testing. Allele origin: germline. Affected: yes.
Comment: In silico analysis supports that this missense variant does not alter protein structure/function; Has not been previously published as pathogenic or benign to our knowledge

Illumina Laboratory Services, Illumina
Classification: Uncertain significance for Succinate-semialdehyde dehydrogenase deficiency. Last evaluated: 2017-04-27. Review status: criteria provided, single submitter. Criteria: ICSL Variant Classification Criteria 13 December 2019. Collection method: clinical testing. Allele origin: germline.

Centre de Biologie Pathologie Génétique, Centre Hospitalier Universitaire de Lille
Classification: Likely benign for Intellectual disability. Last evaluated: 2019-01-01. Review status: no assertion criteria provided. Collection method: clinical testing. Allele origin: inherited. Affected: yes. Not counted in ClinVar's aggregate classification.

Clinical Genetics DNA and cytogenetics Diagnostics Lab, Erasmus MC, Erasmus Medical Center
Classification: Uncertain significance. Review status: no assertion criteria provided. Collection method: clinical testing. Allele origin: germline. Affected: yes. Study: VKGL Data-share Consensus. Not counted in ClinVar's aggregate classification.

Diagnostic Laboratory, Department of Genetics, University Medical Center Groningen
Classification: Uncertain significance. Review status: no assertion criteria provided. Collection method: clinical testing. Allele origin: germline. Affected: yes. Study: VKGL Data-share Consensus. Not counted in ClinVar's aggregate classification.

NM_001080.3(ALDH5A1):c.862A>G (p.Thr288Ala)

Gene: ALDH5A1 (aldehyde dehydrogenase 5 family member A1; plus strand). Cytogenetic location: 6p22.3.
Variant type: single nucleotide variant.
Coding change: c.862A>G on transcript NM_001080.3 (MANE Select); coding-DNA position 862, A replaced by G.
Protein change: p.Thr288Ala; replaces threonine 288 with alanine.
Molecular consequence: missense variant. On other transcripts: intron variant (1).
Genome position (GRCh38, 1-based): chr6:24,515,302, A>G. VCF-style: chr6-24515302-A-G. GRCh37 (hg19) VCF-style: chr6-24515530-A-G.
Other names: c.901A>G, p.Thr301Ala (NM_170740.1); c.727-5099A>G (NM_001368954.1); short protein forms T301A, T288A.
Identifiers: ClinVar variation 664116 (VCV000664116.22), dbSNP rs373320785, ClinGen allele CA3656766.